The following is an entry in ClinVar:

NM_000548.5(TSC2):c.1599G>T (p.Lys533Asn)

Gene: TSC2 (TSC complex subunit 2; plus strand). Cytogenetic location: 16p13.3.
Variant type: single nucleotide variant.
Coding change: c.1599G>T on transcript NM_000548.5 (MANE Select); coding-DNA position 1599, G replaced by T.
Protein change: p.Lys533Asn; replaces lysine 533 with asparagine.
Molecular consequence: missense variant. On other transcripts: 5 prime UTR variant (1), non-coding transcript variant (5).
Genome position (GRCh38, 1-based): chr16:2,064,427, G>T. VCF-style: chr16-2064427-G-T. GRCh37 (hg19) VCF-style: chr16-2114428-G-T.
Other names: c.1599G>T, p.Lys533Asn (NM_001077183.3, NM_001114382.3, NM_001363528.2 and 6 more transcripts); c.1488G>T, p.Lys496Asn (NM_001318827.2, NM_001406670.1, NM_001406678.1); c.1452G>T, p.Lys484Asn (NM_001318829.2, NM_001406675.1, NM_001406676.1 and 1 more transcripts); c.999G>T, p.Lys333Asn (NM_001318831.2, NM_001406686.1, NM_001406687.1 and 6 more transcripts); c.1632G>T, p.Lys544Asn (NM_001318832.2); c.1689G>T, p.Lys563Asn (NM_001406667.1, NM_001406668.1); c.1587G>T, p.Lys529Asn (NM_001406671.1, NM_001406673.1); c.255G>T, p.Lys85Asn (NM_001406689.1, NM_001406690.1, NM_001406691.1 and 6 more transcripts); and 3 more; short protein forms K333N, K379N, K484N, K496N, K514N, K529N, K533N, K544N.
Identifiers: ClinVar variation 4083472 (VCV004083472.1).

ClinVar aggregate classification (germline): Likely pathogenic (1 of 4 stars; one submission).

Submission:

GeneDx
Classification: Likely pathogenic. Last evaluated: 2025-03-13. Review status: criteria provided, single submitter. Criteria: GeneDx Variant Classification Process June 2021. Collection method: clinical testing. Allele origin: germline. Affected: yes.
Comment: Not observed at significant frequency in large population cohorts (gnomAD); In silico analysis supports that this missense variant has a deleterious effect on protein structure/function; Has not been previously published as pathogenic or benign to our knowledge; This variant is associated with the following publications: (PMID: 28178598)